The following is an entry in ClinVar:

ClinVar aggregate classification (germline): Likely benign (1 of 4 stars; one submission).

Conditions:
Leigh syndrome (NULS). Also called: Leigh's necrotizing encephalopathy; Leigh's disease; Leigh's syndrome; LEIGH SYNDROME, NUCLEAR; Leigh Syndrome (mtDNA deletion); Leigh Disease. Identifiers: Orphanet 506, MedGen C2931891, MONDO:0009723, OMIM 256000.

Submission:

Wong Mito Lab, Molecular and Human Genetics, Baylor College of Medicine
Classification: Likely benign for Leigh syndrome. Last evaluated: 2019-10-17. Review status: criteria provided, single submitter. Criteria: Modified ACMG Guidelines (Unpublished). Collection method: clinical testing. Allele origin: germline.
Comment: The NC_012920.1:m.14181A>G (YP_003024037.1:p.Tyr165His) variant in MTND6 gene is interpretated to be a Likely Benign variant based on the modified ACMG guidelines (unpublished). This variant meets the following evidence codes: BS4, BP4

NC_012920.1(MT-ND6):m.14181A>G

Gene: MT-ND6 (mitochondrially encoded NADH dehydrogenase 6; minus strand).
Variant type: single nucleotide variant.
Genome position: chrM-14181-A-G.
Identifiers: ClinVar variation 693685 (VCV000693685.1), dbSNP rs1603224581, ClinGen allele CA414821275.